The following is an entry in ClinVar:

ClinVar aggregate classification (germline): Uncertain significance (1 of 4 stars; one submission).

Conditions:
Hereditary cancer-predisposing syndrome. Also called: Tumor predisposition; Hereditary Cancer Syndrome; Hereditary neoplastic syndrome; Neoplastic Syndromes, Hereditary. Identifiers: Orphanet 140162, MedGen C0027672, MeSH D009386, MONDO:0015356.

Submission:

Ambry Genetics
Classification: Uncertain significance for Hereditary cancer-predisposing syndrome. Last evaluated: 2023-08-29. Review status: criteria provided, single submitter. Criteria: Ambry Variant Classification Scheme 2023. Collection method: clinical testing. Allele origin: germline.
Comment: The p.D134E variant (also known as c.402T>G), located in coding exon 4 of the FH gene, results from a T to G substitution at nucleotide position 402. The aspartic acid at codon 134 is replaced by glutamic acid, an amino acid with highly similar properties. This amino acid position is conserved. In addition, this alteration is predicted to be tolerated by in silico analysis. Since supporting evidence is limited at this time, the clinical significance of this alteration remains unclear.

NM_000143.4(FH):c.402T>G (p.Asp134Glu)

Gene: FH (fumarate hydratase; minus strand). Cytogenetic location: 1q43.
Variant type: single nucleotide variant.
Coding change: c.402T>G on transcript NM_000143.4 (MANE Select); coding-DNA position 402, T replaced by G.
Protein change: p.Asp134Glu; replaces aspartic acid 134 with glutamic acid.
Molecular consequence: missense variant.
Genome position (GRCh38, 1-based): chr1:241,512,120, A>C on the plus strand (T>G on the coding strand, the complement: FH is on the minus strand). VCF-style: chr1-241512120-A-C. GRCh37 (hg19) VCF-style: chr1-241675420-A-C.
Other names: short protein forms D134E.
Identifiers: ClinVar variation 2587065 (VCV002587065.2), dbSNP rs1399547764, ClinGen allele CA345440181.